The following is an entry in ClinVar:

NM_001710.6(CFB):c.50G>A (p.Gly17Asp)

Gene: CFB (complement factor B; plus strand). Cytogenetic location: 6p21.33.
Variant type: single nucleotide variant.
Coding change: c.50G>A on transcript NM_001710.6 (MANE Select); coding-DNA position 50, G replaced by A.
Protein change: p.Gly17Asp; replaces glycine 17 with aspartic acid.
Molecular consequence: missense variant.
Genome position (GRCh38, 1-based): chr6:31,946,271, G>A. VCF-style: chr6-31946271-G-A. GRCh37 (hg19) VCF-style: chr6-31914048-G-A.
Other names: short protein forms G17D.
Identifiers: ClinVar variation 3648676 (VCV003648676.2).

ClinVar aggregate classification (germline): Uncertain significance (1 of 4 stars; one submission).

Submission:

Labcorp Genetics (formerly Invitae), Labcorp
Classification: Uncertain significance. Last evaluated: 2024-04-03. Review status: criteria provided, single submitter. Criteria: Invitae Variant Classification Sherloc (09022015). Collection method: clinical testing. Allele origin: germline.
Comment: This sequence change replaces glycine, which is neutral and non-polar, with aspartic acid, which is acidic and polar, at codon 17 of the CFB protein (p.Gly17Asp). This variant is not present in population databases (gnomAD no frequency). This variant has not been reported in the literature in individuals affected with CFB-related conditions. An algorithm developed to predict the effect of missense changes on protein structure and function (PolyPhen-2) suggests that this variant is likely to be tolerated. In summary, the available evidence is currently insufficient to determine the role of this variant in disease. Therefore, it has been classified as a Variant of Uncertain Significance.